The following is an entry in ClinVar:

ClinVar aggregate classification (germline): Benign/Likely benign. Review status: criteria provided, multiple submitters, no conflicts (2 of 4 stars). 3 submissions from 3 submitters: Benign (1); Likely benign (2). Last evaluated 2018-08-16.

Conditions:
Behavior disorder. Also called: Behavioral disorder. Identifiers: MedGen C0004930.

Allele frequency attached by ClinVar (database versions not stated): gnomAD exomes 0.00081 and 0.00199; ExAC 0.00248; gnomAD 0.00808 and 0.00883; 1000 Genomes Project 0.00819; ESP Exome Variant Server 0.00838; TOPMed 0.00897; 1000 Genomes Project 30x 0.00953.
gnomAD v4.1: 2,464 of 1,614,106 alleles (0.15%); highest among the groups gnomAD compares: African/African-American, 2.9%; 32 homozygotes.

Submissions (3):

Labcorp Genetics (formerly Invitae), Labcorp
Classification: Benign. Last evaluated: 2018-08-16. Review status: criteria provided, single submitter. Criteria: Invitae Variant Classification Sherloc (09022015). Collection method: clinical testing. Allele origin: germline.

Illumina Laboratory Services, Illumina
Classification: Likely benign for Behavior disorder. Last evaluated: 2018-01-13. Review status: criteria provided, single submitter. Criteria: ICSL Variant Classification Criteria 13 December 2019. Collection method: clinical testing. Allele origin: germline.
Comment: This variant was observed in the ICSL laboratory as part of a predisposition screen in an ostensibly healthy population. It had not been previously curated by ICSL or reported in the Human Gene Mutation Database (HGMD: prior to June 1st, 2018), and was therefore a candidate for classification through an automated scoring system. Utilizing variant allele frequency, disease prevalence and penetrance estimates, and inheritance mode, an automated score was calculated to assess if this variant is too frequent to cause the disease. Based on the score and internal cut-off values, a variant classified as likely benign is not then subjected to further curation. The score for this variant resulted in a classification of likely benign for this disease.

Breakthrough Genomics
Classification: Likely benign. Review status: criteria provided, single submitter. Criteria: ACMG Guidelines, 2015. Collection method: not provided. Allele origin: germline. Inheritance: Autosomal dominant inheritance. Affected: yes.

NM_001045.6(SLC6A4):c.303T>C (p.Asn101=)

Gene: SLC6A4 (solute carrier family 6 member 4; minus strand). Cytogenetic location: 17q11.2.
Variant type: single nucleotide variant.
Coding change: c.303T>C on transcript NM_001045.6 (MANE Select); coding-DNA position 303, T replaced by C.
Protein change: p.Asn101=; no amino-acid change (asparagine 101 retained).
Molecular consequence: synonymous variant.
Genome position (GRCh38, 1-based): chr17:30,221,656, A>G on the plus strand (T>C on the coding strand, the complement: SLC6A4 is on the minus strand). VCF-style: chr17-30221656-A-G. GRCh37 (hg19) VCF-style: chr17-28548674-A-G.
Identifiers: ClinVar variation 322538 (VCV000322538.9), dbSNP rs56110451, ClinGen allele CA8480467.
Genomic context (GRCh38, chr17:30,221,656, plus strand): 5'-TCGCAGCCTGTGATACTGACCCCCTCCATTCTGGTAACATATGTAGGGGAAGCGCCAGAC[A>G]TTGCCCAGGTCCACAGCATAGCCAATCACTGAGAGAAGGAAATCCACCTTCTTGCCCCAG-3'
Protein context (NP_001036.1, residues 91-111): SVIGYAVDLG[Asn101=]VWRFPYICYQ